The following is an entry in ClinVar:

NM_000264.5(PTCH1):c.2747C>T (p.Pro916Leu)

Gene: PTCH1 (patched 1; minus strand). Cytogenetic location: 9q22.32.
Variant type: single nucleotide variant.
Coding change: c.2747C>T on transcript NM_000264.5 (MANE Select); coding-DNA position 2747, C replaced by T.
Protein change: p.Pro916Leu; replaces proline 916 with leucine.
Molecular consequence: missense variant. On other transcripts: non-coding transcript variant (1).
Genome position (GRCh38, 1-based): chr9:95,459,740, G>A on the plus strand (C>T on the coding strand, the complement: PTCH1 is on the minus strand). VCF-style: chr9-95459740-G-A. GRCh37 (hg19) VCF-style: chr9-98222022-G-A.
Other names: c.2549C>T, p.Pro850Leu (NM_001083602.3); c.2744C>T, p.Pro915Leu (NM_001083603.3); c.2294C>T, p.Pro765Leu (NM_001083604.3, NM_001083605.3, NM_001083606.3 and 1 more transcripts); c.2591C>T, p.Pro864Leu (NM_001354918.2); short protein forms P864L, P916L, P765L, P850L, P915L.
Identifiers: ClinVar variation 650635 (VCV000650635.9), dbSNP rs1588544970, ClinGen allele CA374113168.

ClinVar aggregate classification (germline): Uncertain significance (1 of 4 stars; one submission).

Conditions:
Gorlin syndrome. Also called: Basal cell nevus syndrome; Nevoid Basal Cell Carcinoma Syndrome. Identifiers: Orphanet 377, MedGen C0004779, MONDO:0007187.

Submission:

Labcorp Genetics (formerly Invitae), Labcorp
Classification: Uncertain significance for Gorlin syndrome. Last evaluated: 2022-08-23. Review status: criteria provided, single submitter. Criteria: Invitae Variant Classification Sherloc (09022015). Collection method: clinical testing. Allele origin: germline.
Comment: In summary, the available evidence is currently insufficient to determine the role of this variant in disease. Therefore, it has been classified as a Variant of Uncertain Significance. Advanced modeling of protein sequence and biophysical properties (such as structural, functional, and spatial information, amino acid conservation, physicochemical variation, residue mobility, and thermodynamic stability) performed at Invitae indicates that this missense variant is not expected to disrupt PTCH1 protein function. ClinVar contains an entry for this variant (Variation ID: 650635). This variant has not been reported in the literature in individuals affected with PTCH1-related conditions. This variant is not present in population databases (gnomAD no frequency). This sequence change replaces proline, which is neutral and non-polar, with leucine, which is neutral and non-polar, at codon 916 of the PTCH1 protein (p.Pro916Leu).